The following is an entry in ClinVar:

NM_006269.2(RP1):c.477C>A (p.Phe159Leu)

Gene: RP1 (RP1 axonemal microtubule associated; plus strand). Cytogenetic location: 8q12.1.
Variant type: single nucleotide variant.
Coding change: c.477C>A on transcript NM_006269.2 (MANE Select); coding-DNA position 477, C replaced by A.
Protein change: p.Phe159Leu; replaces phenylalanine 159 with leucine.
Molecular consequence: missense variant.
Genome position (GRCh38, 1-based): chr8:54,621,443, C>A. VCF-style: chr8-54621443-C-A. GRCh37 (hg19) VCF-style: chr8-55534003-C-A.
Other names: c.477C>A, p.Phe159Leu (NM_001375654.1); short protein forms F159L.
Identifiers: ClinVar variation 968867 (VCV000968867.10), dbSNP rs1805871215, ClinGen allele CA370986989.

ClinVar aggregate classification (germline): Uncertain significance (1 of 4 stars; one submission).

Submission:

Labcorp Genetics (formerly Invitae), Labcorp
Classification: Uncertain significance. Last evaluated: 2025-11-23. Review status: criteria provided, single submitter. Criteria: Invitae Variant Classification Sherloc (09022015). Collection method: clinical testing. Allele origin: germline.
Comment: This sequence change replaces phenylalanine, which is neutral and non-polar, with leucine, which is neutral and non-polar, at codon 159 of the RP1 protein (p.Phe159Leu). This variant is not present in population databases (gnomAD no frequency). This variant has not been reported in the literature in individuals affected with RP1-related conditions. ClinVar contains an entry for this variant (Variation ID: 968867). An algorithm developed to predict the effect of missense changes on protein structure and function (PolyPhen-2) suggests that this variant is likely to be disruptive. In summary, the available evidence is currently insufficient to determine the role of this variant in disease. Therefore, it has been classified as a Variant of Uncertain Significance.